The following is an entry in ClinVar:

ClinVar aggregate classification (germline): Uncertain significance (1 of 4 stars; one submission).

Conditions:
Bardet-Biedl syndrome (BBS). Identifiers: Orphanet 110, MedGen C0752166, MONDO:0015229.

Allele frequency attached by ClinVar (database versions not stated): gnomAD exomes below 0.00001.
gnomAD v4.1: 2 of 1,614,186 alleles (0.00012%); highest among the groups gnomAD compares: Non-Finnish European, 0.00017%; no homozygotes.

Submission:

Labcorp Genetics (formerly Invitae), Labcorp
Classification: Uncertain significance for Bardet-Biedl syndrome. Last evaluated: 2020-11-18. Review status: criteria provided, single submitter. Criteria: Invitae Variant Classification Sherloc (09022015). Collection method: clinical testing. Allele origin: germline.
Comment: In summary, the available evidence is currently insufficient to determine the role of this variant in disease. Therefore, it has been classified as a Variant of Uncertain Significance. Algorithms developed to predict the effect of missense changes on protein structure and function (SIFT, PolyPhen-2, Align-GVGD) all suggest that this variant is likely to be disruptive, but these predictions have not been confirmed by published functional studies and their clinical significance is uncertain. This variant has not been reported in the literature in individuals with TRIM32-related conditions. This variant is not present in population databases (ExAC no frequency). This sequence change replaces aspartic acid with glutamic acid at codon 389 of the TRIM32 protein (p.Asp389Glu). The aspartic acid residue is highly conserved and there is a small physicochemical difference between aspartic acid and glutamic acid.

NM_012210.4(TRIM32):c.1167C>A (p.Asp389Glu)

Genes: ASTN2 (astrotactin 2; minus strand), TRIM32 (tripartite motif containing 32; plus strand). Cytogenetic location: 9q33.1.
Variant type: single nucleotide variant.
Coding change: c.1167C>A on transcript NM_012210.4 (MANE Select); coding-DNA position 1167, C replaced by A.
Protein change: p.Asp389Glu; replaces aspartic acid 389 with glutamic acid.
Molecular consequence: missense variant. On other transcripts: intron variant (3).
Genome position (GRCh38, 1-based): chr9:116,698,909, C>A. VCF-style: chr9-116698909-C-A. GRCh37 (hg19) VCF-style: chr9-119461188-C-A.
Other names: c.1167C>A, p.Asp389Glu (NM_001099679.2, NM_001379048.1, NM_001379049.1 and 1 more transcripts); c.2653+26862G>T (NM_014010.5); c.2794+26862G>T (NM_001365069.1); c.2806+26862G>T (NM_001365068.1); short protein forms D389E.
Identifiers: ClinVar variation 1394486 (VCV001394486.8), dbSNP rs2132074143, ClinGen allele CA374651097.
Genomic context (GRCh38, chr9:116,698,909, plus strand): 5'-AATGTTCAATCTTCCAGTCAGTCTCTACGTGACCAGTCAAGGTGAAGTACTAGTCGCTGA[C>A]CGTGGTAACTATCGTATACAAGTCTTTACCCGCAAAGGCTTTTTGAAGGAAATCCGCCGC-3'
Protein context (NP_036342.2, residues 379-399): VTSQGEVLVA[Asp389Glu]RGNYRIQVFT